The following is an entry in ClinVar:

NM_015375.3(DSTYK):c.2227A>G (p.Thr743Ala)

Gene: DSTYK (dual serine/threonine and tyrosine protein kinase; minus strand). Cytogenetic location: 1q32.1.
Variant type: single nucleotide variant.
Coding change: c.2227A>G on transcript NM_015375.3 (MANE Select); coding-DNA position 2227, A replaced by G.
Protein change: p.Thr743Ala; replaces threonine 743 with alanine.
Molecular consequence: missense variant.
Genome position (GRCh38, 1-based): chr1:205,159,558, T>C on the plus strand (A>G on the coding strand, the complement: DSTYK is on the minus strand). VCF-style: chr1-205159558-T-C. GRCh37 (hg19) VCF-style: chr1-205128686-T-C.
Other names: c.2227A>G, p.Thr743Ala (NM_199462.3); short protein forms T743A.
Identifiers: ClinVar variation 3643001 (VCV003643001.2).

ClinVar aggregate classification (germline): Uncertain significance (1 of 4 stars; one submission).

Submission:

Labcorp Genetics (formerly Invitae), Labcorp
Classification: Uncertain significance. Last evaluated: 2024-02-24. Review status: criteria provided, single submitter. Criteria: Invitae Variant Classification Sherloc (09022015). Collection method: clinical testing. Allele origin: germline.
Comment: This sequence change replaces threonine, which is neutral and polar, with alanine, which is neutral and non-polar, at codon 743 of the DSTYK protein (p.Thr743Ala). This variant is not present in population databases (gnomAD no frequency). This variant has not been reported in the literature in individuals affected with DSTYK-related conditions. An algorithm developed to predict the effect of missense changes on protein structure and function (PolyPhen-2) suggests that this variant is likely to be tolerated. In summary, the available evidence is currently insufficient to determine the role of this variant in disease. Therefore, it has been classified as a Variant of Uncertain Significance.